The following is an entry in ClinVar:

NM_033225.6(CSMD1):c.2617T>C (p.Cys873Arg)

Gene: CSMD1 (CUB and Sushi multiple domains 1; minus strand). Cytogenetic location: 8p23.2.
Variant type: single nucleotide variant.
Coding change: c.2617T>C on transcript NM_033225.6 (MANE Select); coding-DNA position 2617, T replaced by C.
Protein change: p.Cys873Arg; replaces cysteine 873 with arginine.
Molecular consequence: missense variant.
Genome position (GRCh38, 1-based): chr8:3,387,659, A>G on the plus strand (T>C on the coding strand, the complement: CSMD1 is on the minus strand). VCF-style: chr8-3387659-A-G. GRCh37 (hg19) VCF-style: chr8-3245181-A-G.
Other names: short protein forms C873R.
Identifiers: ClinVar variation 3345913 (VCV003345913.1).

ClinVar aggregate classification (germline): Uncertain significance (0 of 4 stars; one submission).

Conditions:
CSMD1-related disorder. Also called: CSMD1-related condition.

Submission:

PreventionGenetics, part of Exact Sciences
Classification: Uncertain significance for CSMD1-related condition. Last evaluated: 2024-06-25. Review status: no assertion criteria provided. Collection method: clinical testing. Allele origin: germline.
Comment: The CSMD1 c.2617T>C variant is predicted to result in the amino acid substitution p.Cys873Arg. To our knowledge, this variant has not been reported in the literature or in a large population database, indicating this variant is rare. At this time, the clinical significance of this variant is uncertain due to the absence of conclusive functional and genetic evidence.